The following is an entry in ClinVar:

NM_000141.5(FGFR2):c.287G>T (p.Gly96Val)

Gene: FGFR2 (fibroblast growth factor receptor 2; minus strand). Cytogenetic location: 10q26.13.
Variant type: single nucleotide variant.
Coding change: c.287G>T on transcript NM_000141.5 (MANE Select); coding-DNA position 287, G replaced by T.
Protein change: p.Gly96Val; replaces glycine 96 with valine.
Molecular consequence: missense variant. On other transcripts: intron variant (9).
Genome position (GRCh38, 1-based): chr10:121,565,527, C>A on the plus strand (G>T on the coding strand, the complement: FGFR2 is on the minus strand). VCF-style: chr10-121565527-C-A. GRCh37 (hg19) VCF-style: chr10-123325041-C-A.
Other names: c.287G>T, p.Gly96Val (NM_001144913.1, NM_001144914.1, NM_001144917.2 and 3 more transcripts); c.110-14068G>T (NM_001144918.2, NM_001441091.1, NM_001441090.1 and 1 more transcripts); c.110-948G>T (NM_001441089.1, NM_023029.3, NM_001441088.1 and 2 more transcripts); short protein forms G96V.
Identifiers: ClinVar variation 1503438 (VCV001503438.9), dbSNP rs1277734487, ClinGen allele CA378324892.
Genomic context (GRCh38, chr10:121,565,527, plus strand): 5'-TCACTGTCTACAGTCCTACTGGCAGTACAAGCATAGAGGCCGGAGTCTCTAGGCGTGGCG[C>A]CCTTTATCTGCAAGTACTCCCCAATAAGCACTGTCCTATTGTTGGGCCCCAAGTGCACCC-3'
Protein context (NP_000132.3, residues 86-106): VLIGEYLQIK[Gly96Val]ATPRDSGLYA

ClinVar aggregate classification (germline): Conflicting classifications of pathogenicity. Review status: criteria provided, conflicting classifications (1 of 4 stars). 2 submissions from 2 submitters: Uncertain significance (1); Likely benign (1). Last evaluated 2026-01-22.

Conditions:
FGFR2-related craniosynostosis. Identifiers: MedGen CN231480.
Bent bone dysplasia syndrome 1 (BBDS1). Also called: FGFR2-related bent bone dysplasia. Identifiers: Orphanet 313855, MedGen C3281247, MONDO:0013815, OMIM 614592.
Familial scaphocephaly syndrome, McGillivray type. Also called: SCAPHOCEPHALY, MAXILLARY RETRUSION, AND IMPAIRED INTELLECTUAL DEVELOPMENT. Identifiers: Orphanet 168624, MedGen C1865070, MONDO:0012307, OMIM 609579.
Crouzon syndrome. Also called: CRANIOFACIAL DYSOSTOSIS, TYPE I; Craniofacial dysostosis type 1; Crouzon craniofacial dysostosis; Crouzon disease; Craniofacial dysostosis. Identifiers: Orphanet 207, MedGen C0010273, MeSH D003394, MONDO:0007405, OMIM 123500, HP:0004439.
Beare-Stevenson cutis gyrata syndrome (BSTVS). Identifiers: Orphanet 1555, MedGen C1852406, MONDO:0007412, OMIM 123790.
Antley-Bixler syndrome without genital anomalies or disordered steroidogenesis (ABS2). Also called: MULTISYNOSTOTIC OSTEODYSGENESIS WITH LONG BONE FRACTURES; Antley-Bixler Syndrome, Autosomal Dominant; Trapezoidocephaly synostosis syndrome; Osteodysgenesis, multisynostotic with fractures. Identifiers: Orphanet 596008, Orphanet 83, MedGen C2936791, MONDO:0020667, OMIM 207410.
Pfeiffer syndrome (ACS5). Also called: ACS V. Identifiers: Orphanet 710, MedGen C0220658, MONDO:0007043, OMIM 101600.
Saethre-Chotzen syndrome (SCS). Also called: CHOTZEN SYNDROME; ACROCEPHALY, SKULL ASYMMETRY, AND MILD SYNDACTYLY; ACS III. Identifiers: Orphanet 794, MedGen C0175699, MONDO:0007042, OMIM 101400.
LADD syndrome 1 (LADD1). Also called: Lacrimoauriculodentodigital syndrome 1. Identifiers: MedGen C5774323, MONDO:0100302, OMIM 149730.
Acrocephalosyndactyly type I (ACS1). Also called: Apert syndrome; Acrocephalo-syndactyly type 1; ACS 1; Syndactylic oxycephaly. Identifiers: Orphanet 87, MedGen C0001193, MONDO:0007041, OMIM 101200.
Gastric cancer. Also called: Stomach cancer; Malignant tumor of stomach. Identifiers: MedGen C0024623, MeSH D013274, MONDO:0001056, OMIM 613659, HP:0012126.
Jackson-Weiss syndrome (JWS). Also called: CRANIOSYNOSTOSIS, MIDFACIAL HYPOPLASIA, AND FOOT ABNORMALITIES. Identifiers: Orphanet 1540, MedGen C0795998, MONDO:0007400, OMIM 123150. Disease mechanism: loss of function.

Allele frequency attached by ClinVar (database versions not stated): gnomAD exomes 0.00005.
gnomAD v4.1: 18 of 1,614,082 alleles (0.0011%); highest among the groups gnomAD compares: Admixed American, 0.027%; 1 homozygote.

Submissions (2):

Labcorp Genetics (formerly Invitae), Labcorp
Classification: Uncertain significance for FGFR2-related craniosynostosis. Last evaluated: 2026-01-22. Review status: criteria provided, single submitter. Criteria: Invitae Variant Classification Sherloc (09022015). Collection method: clinical testing. Allele origin: germline.
Comment: This sequence change replaces glycine, which is neutral and non-polar, with valine, which is neutral and non-polar, at codon 96 of the FGFR2 protein (p.Gly96Val). This variant is present in population databases (no rsID available, gnomAD 0.03%). This variant has not been reported in the literature in individuals affected with FGFR2-related conditions. ClinVar contains an entry for this variant (Variation ID: 1503438). Invitae Evidence Modeling of protein sequence and biophysical properties (such as structural, functional, and spatial information, amino acid conservation, physicochemical variation, residue mobility, and thermodynamic stability) indicates that this missense variant is not expected to disrupt FGFR2 protein function with a negative predictive value of 80%. In summary, the available evidence is currently insufficient to determine the role of this variant in disease. Therefore, it has been classified as a Variant of Uncertain Significance.

Fulgent Genetics
Classification: Likely benign for Acrocephalosyndactyly type I; Saethre-Chotzen syndrome; Pfeiffer syndrome; Jackson-Weiss syndrome; Crouzon syndrome; Beare-Stevenson cutis gyrata syndrome; LADD syndrome 1; Antley-Bixler syndrome without genital anomalies or disordered steroidogenesis; Familial scaphocephaly syndrome, McGillivray type; Gastric cancer; Bent bone dysplasia syndrome 1. Last evaluated: 2024-03-04. Review status: criteria provided, single submitter. Criteria: ACMG Guidelines, 2015. Collection method: clinical testing. Allele origin: germline.